The following is an entry in ClinVar:

NM_001267550.2(TTN):c.39511G>C (p.Val13171Leu)

Gene: TTN (titin; minus strand). Cytogenetic location: 2q31.2.
Variant type: single nucleotide variant.
Coding change: c.39511G>C on transcript NM_001267550.2 (MANE Select); coding-DNA position 39511, G replaced by C.
Protein change: p.Val13171Leu; replaces valine 13171 with leucine.
Molecular consequence: missense variant. On other transcripts: intron variant (3).
Genome position (GRCh38, 1-based): chr2:178,651,489, C>G on the plus strand (G>C on the coding strand, the complement: TTN is on the minus strand). VCF-style: chr2-178651489-C-G. GRCh37 (hg19) VCF-style: chr2-179516216-C-G.
Other names: c.34990G>C, p.Val11664Leu (NM_001256850.1); c.32209G>C, p.Val10737Leu (NM_133378.4); c.13283-9172G>C (NM_003319.4); c.13859-9172G>C (NM_133437.4); c.13658-9172G>C (NM_133432.3); short protein forms V10737L, V11664L, V13171L.
Identifiers: ClinVar variation 2651649 (VCV002651649.24), dbSNP rs780550944, ClinGen allele CA349455524.

ClinVar aggregate classification (germline): Uncertain significance (1 of 4 stars; one submission).

Allele frequency attached by ClinVar (database versions not stated): gnomAD 0.00001.
gnomAD v4.1: 2 of 1,612,756 alleles (0.00012%); highest among the groups gnomAD compares: Non-Finnish European, 0.00017%; no homozygotes.

Submission:

CeGaT Center for Human Genetics Tuebingen
Classification: Uncertain significance. Last evaluated: 2022-10-01. Review status: criteria provided, single submitter. Criteria: CeGaT Center For Human Genetics Tuebingen Variant Classification Criteria Version 2. Collection method: clinical testing. Allele origin: germline. Affected: yes. Observed: 1 variant allele.
Comment: TTN: PM2, BP4